The following is an entry in ClinVar:

NM_015450.3(POT1):c.320A>C (p.Glu107Ala)

Gene: POT1 (protection of telomeres 1; minus strand). Cytogenetic location: 7q31.33.
Variant type: single nucleotide variant.
Coding change: c.320A>C on transcript NM_015450.3 (MANE Select); coding-DNA position 320, A replaced by C.
Protein change: p.Glu107Ala; replaces glutamic acid 107 with alanine.
Molecular consequence: missense variant. On other transcripts: 5 prime UTR variant (1), non-coding transcript variant (3).
Genome position (GRCh38, 1-based): chr7:124,863,576, T>G on the plus strand (A>C on the coding strand, the complement: POT1 is on the minus strand). VCF-style: chr7-124863576-T-G. GRCh37 (hg19) VCF-style: chr7-124503630-T-G.
Other names: c.-74A>C (NM_001042594.2); short protein forms E107A.
Identifiers: ClinVar variation 1728898 (VCV001728898.2), dbSNP rs2485481222, ClinGen allele CA369060161.

ClinVar aggregate classification (germline): Uncertain significance (1 of 4 stars; one submission).

Conditions:
Hereditary cancer-predisposing syndrome. Also called: Tumor predisposition; Neoplastic Syndromes, Hereditary; Hereditary Cancer Syndrome; Hereditary neoplastic syndrome. Identifiers: Orphanet 140162, MedGen C0027672, MeSH D009386, MONDO:0015356.

Submission:

Ambry Genetics
Classification: Uncertain significance for Hereditary cancer-predisposing syndrome. Last evaluated: 2020-03-27. Review status: criteria provided, single submitter. Criteria: Ambry Variant Classification Scheme 2023. Collection method: clinical testing. Allele origin: germline.
Comment: The p.E107A variant (also known as c.320A>C), located in coding exon 4 of the POT1 gene, results from an A to C substitution at nucleotide position 320. The glutamic acid at codon 107 is replaced by alanine, an amino acid with dissimilar properties. This amino acid position is well conserved in available vertebrate species. In addition, this alteration is predicted to be tolerated by in silico analysis. Since supporting evidence is limited at this time, the clinical significance of this alteration remains unclear.